The following is an entry in ClinVar:

ClinVar aggregate classification (germline): Uncertain significance (1 of 4 stars; one submission).

Conditions:
Inborn genetic diseases. Identifiers: MedGen C0950123, MeSH D030342.

Allele frequency attached by ClinVar (database versions not stated): gnomAD exomes below 0.00001.

Submission:

Ambry Genetics
Classification: Uncertain significance for Inborn genetic diseases. Last evaluated: 2023-07-25. Review status: criteria provided, single submitter. Criteria: Ambry Variant Classification Scheme 2023. Collection method: clinical testing. Allele origin: germline.
Comment: The c.4471C>T (p.P1491S) alteration is located in exon 21 (coding exon 21) of the SHANK3 gene. This alteration results from a C to T substitution at nucleotide position 4471, causing the proline (P) at amino acid position 1491 to be replaced by a serine (S). This variant was not reported in population-based cohorts in the Genome Aggregation Database (gnomAD). This amino acid position is highly conserved in available vertebrate species. Based on insufficient or conflicting evidence, the clinical significance of this alteration remains unclear.

NM_001372044.2(SHANK3):c.4696C>T (p.Pro1566Ser)

Gene: SHANK3 (SH3 and multiple ankyrin repeat domains 3; plus strand). Cytogenetic location: 22q13.33.
Variant type: single nucleotide variant.
Coding change: c.4696C>T on transcript NM_001372044.2 (MANE Select); coding-DNA position 4696, C replaced by T.
Protein change: p.Pro1566Ser; replaces proline 1566 with serine.
Molecular consequence: missense variant.
Genome position (GRCh38, 1-based): chr22:50,722,304, C>T. VCF-style: chr22-50722304-C-T. GRCh37 (hg19) VCF-style: chr22-51160732-C-T.
Other names: c.4471C>T, p.Pro1491Ser (NM_033517.1); short protein forms P1491S, P1566S.
Identifiers: ClinVar variation 2605819 (VCV002605819.2), dbSNP rs2518430511, ClinGen allele CA515265109.